The following is an entry in ClinVar:

NM_000051.4(ATM):c.1483A>G (p.Ile495Val)

Gene: ATM (ATM serine/threonine kinase; plus strand). Cytogenetic location: 11q22.3.
Variant type: single nucleotide variant.
Coding change: c.1483A>G on transcript NM_000051.4 (MANE Select); coding-DNA position 1483, A replaced by G.
Protein change: p.Ile495Val; replaces isoleucine 495 with valine.
Molecular consequence: missense variant.
Genome position (GRCh38, 1-based): chr11:108,250,948, A>G. VCF-style: chr11-108250948-A-G. GRCh37 (hg19) VCF-style: chr11-108121675-A-G.
Other names: c.1483A>G, p.Ile495Val (NM_001351834.2); short protein forms I495V.
Identifiers: ClinVar variation 185158 (VCV000185158.16), dbSNP rs786201969, ClinGen allele CA191185.
Genomic context (GRCh38, chr11:108,250,948, plus strand): 5'-TCACAAAAGTCAGATTTATTAAAACTCTGGAATAAAATTTGGTGTATTACCTTTCGTGGT[A>G]TAAGTTCTGAGCAAATACAAGCTGAAAACTTTGGCTTACTTGGAGCCATAATTCAGGGTA-3'
Protein context (NP_000042.3, residues 485-505): NKIWCITFRG[Ile495Val]SSEQIQAENF

ClinVar aggregate classification (germline): Conflicting classifications of pathogenicity. Review status: criteria provided, conflicting classifications (1 of 4 stars). 5 submissions from 5 submitters: Uncertain significance (4); Likely benign (1). Last evaluated 2026-01-26.

Conditions:
Hereditary cancer-predisposing syndrome. Also called: Tumor predisposition; Hereditary Cancer Syndrome; Hereditary neoplastic syndrome; Neoplastic Syndromes, Hereditary. Identifiers: Orphanet 140162, MedGen C0027672, MeSH D009386, MONDO:0015356.
Ataxia-telangiectasia syndrome (AT). Also called: LOUIS-BAR SYNDROME; Cerebello-oculocutaneous telangiectasia; Immunodeficiency with ataxia telangiectasia; ATAXIA-TELANGIECTASIA, COMPLEMENTATION GROUP A; ATAXIA-TELANGIECTASIA, FRESNO VARIANT; Ataxia-telangiectasia. Identifiers: Orphanet 100, MedGen C0004135, MONDO:0008840, OMIM 208900.

Allele frequency attached by ClinVar (database versions not stated): gnomAD exomes below 0.00001.
gnomAD v4.1: 3 of 1,614,216 alleles (0.00019%); highest among the groups gnomAD compares: East Asian, 0.0022%; no homozygotes.

Submissions (5):

Women's Health and Genetics/Laboratory Corporation of America, LabCorp
Classification: Uncertain significance. Last evaluated: 2026-01-26. Review status: criteria provided, single submitter. Criteria: LabCorp Variant Classification Summary - May 2015. Collection method: clinical testing. Allele origin: germline.
Comment: Variant summary: ATM c.1483A>G (p.Ile495Val) results in a conservative amino acid change in the encoded protein sequence. Algorithms developed to predict the effect of missense changes on protein structure and function all suggest that this variant is likely to be tolerated. The variant was absent in 251310 control chromosomes. The available data on variant occurrences in the general population are insufficient to allow any conclusion about variant significance. c.1483A>G has been observed in individuals affected with Breast Cancer or ovarian cancer without clear evidence for causality (Momozawa_2018, Wu_2021). These report(s) do not provide unequivocal conclusions about association of the variant with Breast Cancer. To our knowledge, no experimental evidence demonstrating an impact on protein function has been reported. The following publications have been ascertained in the context of this evaluation (PMID: 30287823, 34350294). ClinVar contains an entry for this variant (Variation ID: 185158). Based on the evidence outlined above, the variant was classified as uncertain significance.

Labcorp Genetics (formerly Invitae), Labcorp
Classification: Uncertain significance for Ataxia-telangiectasia syndrome. Last evaluated: 2025-11-07. Review status: criteria provided, single submitter. Criteria: Invitae Variant Classification Sherloc (09022015). Collection method: clinical testing. Allele origin: germline.
Comment: This sequence change replaces isoleucine, which is neutral and non-polar, with valine, which is neutral and non-polar, at codon 495 of the ATM protein (p.Ile495Val). This variant is not present in population databases (gnomAD no frequency). This missense change has been observed in individual(s) with breast cancer (PMID: 30287823). ClinVar contains an entry for this variant (Variation ID: 185158). Invitae Evidence Modeling of protein sequence and biophysical properties (such as structural, functional, and spatial information, amino acid conservation, physicochemical variation, residue mobility, and thermodynamic stability) indicates that this missense variant is not expected to disrupt ATM protein function with a negative predictive value of 95%. RNA analysis performed to evaluate the impact of this missense change on mRNA splicing indicates it does not significantly alter splicing (internal data). In summary, the available evidence is currently insufficient to determine the role of this variant in disease. Therefore, it has been classified as a Variant of Uncertain Significance.

Ambry Genetics
Classification: Likely benign for Hereditary cancer-predisposing syndrome. Last evaluated: 2024-02-28. Review status: criteria provided, single submitter. Criteria: Ambry Variant Classification Scheme 2023. Collection method: clinical testing. Allele origin: germline.

Mendelics
Classification: Uncertain significance. Last evaluated: 2022-05-04. Review status: criteria provided, single submitter. Criteria: Mendelics Assertion Criteria 2019. Collection method: clinical testing. Allele origin: germline.

Color Diagnostics, LLC DBA Color Health
Classification: Uncertain significance for Hereditary cancer-predisposing syndrome. Last evaluated: 2021-06-08. Review status: criteria provided, single submitter. Criteria: ACMG Guidelines, 2015. Collection method: clinical testing. Allele origin: germline.
Comment: This missense variant replaces isoleucine with valine at codon 495 of the ATM protein. Computational prediction suggests that this variant may not impact protein structure and function (internally defined REVEL score threshold <= 0.5, PMID: 27666373). Splice site prediction tools suggest that this variant may impact RNA splicing. To our knowledge, RNA functional studies have not been reported for this variant. This variant has been reported in an individual affected with breast cancer in the literature (PMID: 30287823). This variant has not been identified in the general population by the Genome Aggregation Database (gnomAD). The available evidence is insufficient to determine the role of this variant in disease conclusively. Therefore, this variant is classified as a Variant of Uncertain Significance.

Literature cited by the submitters: PubMed 30287823 (cited by 3 submitters); PubMed 34350294 (cited by Women's Health and Genetics/Laboratory Corporation of America, LabCorp).